The following is an entry in ClinVar:

NM_201384.3(PLEC):c.12663G>C (p.Gln4221His)

Gene: PLEC (plectin; minus strand). Cytogenetic location: 8q24.3.
Variant type: single nucleotide variant.
Coding change: c.12663G>C on transcript NM_201384.3 (MANE Select); coding-DNA position 12663, G replaced by C.
Protein change: p.Gln4221His; replaces glutamine 4221 with histidine.
Molecular consequence: missense variant.
Genome position (GRCh38, 1-based): chr8:143,917,158, C>G on the plus strand (G>C on the coding strand, the complement: PLEC is on the minus strand). VCF-style: chr8-143917158-C-G. GRCh37 (hg19) VCF-style: chr8-144991326-C-G.
Other names: c.12744G>C, p.Gln4248His (NM_000445.5); c.12621G>C, p.Gln4207His (NM_201378.4); c.12597G>C, p.Gln4199His (NM_201379.3); c.13074G>C, p.Gln4358His (NM_201380.4); c.12567G>C, p.Gln4189His (NM_201381.3); c.12663G>C, p.Gln4221His (NM_201382.4); c.12675G>C, p.Gln4225His (NM_201383.3); short protein forms Q4221H, Q4248H, Q4358H, Q4225H, Q4189H, Q4199H, Q4207H.
Identifiers: ClinVar variation 810320 (VCV000810320.48), dbSNP rs782601590, ClinGen allele CA4924023.

ClinVar aggregate classification (germline): Uncertain significance. Review status: criteria provided, multiple submitters, no conflicts (2 of 4 stars). 2 submissions from 2 submitters: Uncertain significance (2). Last evaluated 2025-06-22.

Conditions:
Epidermolysis bullosa simplex, Ogna type (EBS5A). Also called: Pidermolysis bullosa simplex 5A, Ogna type; EPIDERMOLYSIS BULLOSA SIMPLEX 5A, OGNA TYPE. Identifiers: Orphanet 79401, MedGen C0432317, MONDO:0007555, OMIM 131950.
Epidermolysis bullosa simplex 5C, with pyloric atresia (EBS5C). Also called: PLEC1-Related Epidermolysis Bullosa with Pyloric Atresia; PLEC-Related Epidermolysis Bullosa with Pyloric Atresia; Epidermolysis bullosa simplex with pyloric atresia. Identifiers: Orphanet 158684, MedGen C2677349, MONDO:0012807, OMIM 612138.
Epidermolysis bullosa simplex 5B, with muscular dystrophy (EBS5B). Also called: Epidermolysis bullosa simplex with muscular dystrophy; EPIDERMOLYSIS BULLOSA SIMPLEX AND LIMB-GIRDLE MUSCULAR DYSTROPHY. Identifiers: Orphanet 257, MedGen C2931072, MONDO:0009181, OMIM 226670.
Epidermolysis bullosa simplex with nail dystrophy (EBS5D). Identifiers: MedGen C4225309, MONDO:0014661, OMIM 616487.
Autosomal recessive limb-girdle muscular dystrophy type 2Q (LGMDR17). Also called: MUSCULAR DYSTROPHY, LIMB-GIRDLE, AUTOSOMAL RECESSIVE 17. Identifiers: Orphanet 254361, MedGen C3150989, MONDO:0013390, OMIM 613723.

Allele frequency attached by ClinVar (database versions not stated): ExAC 0.00001; gnomAD 0.00002; gnomAD exomes 0.00002 and 0.00005; TOPMed 0.00002.
gnomAD v4.1: 67 of 1,610,032 alleles (0.0042%); highest among the groups gnomAD compares: Non-Finnish European, 0.0056%; no homozygotes.

Submissions (2):

Labcorp Genetics (formerly Invitae), Labcorp
Classification: Uncertain significance for Autosomal recessive limb-girdle muscular dystrophy type 2Q; Epidermolysis bullosa simplex, Ogna type; Epidermolysis bullosa simplex with nail dystrophy; Epidermolysis bullosa simplex 5C, with pyloric atresia; Epidermolysis bullosa simplex 5B, with muscular dystrophy. Last evaluated: 2025-06-22. Review status: criteria provided, single submitter. Criteria: Invitae Variant Classification Sherloc (09022015). Collection method: clinical testing. Allele origin: germline.
Comment: This sequence change replaces glutamine, which is neutral and polar, with histidine, which is basic and polar, at codon 4248 of the PLEC protein (p.Gln4248His). This variant is present in population databases (rs782601590, gnomAD 0.01%). This variant has not been reported in the literature in individuals affected with PLEC-related conditions. ClinVar contains an entry for this variant (Variation ID: 810320). Invitae Evidence Modeling of protein sequence and biophysical properties (such as structural, functional, and spatial information, amino acid conservation, physicochemical variation, residue mobility, and thermodynamic stability) indicates that this missense variant is not expected to disrupt PLEC protein function with a negative predictive value of 80%. In summary, the available evidence is currently insufficient to determine the role of this variant in disease. Therefore, it has been classified as a Variant of Uncertain Significance.

CeGaT Center for Human Genetics Tuebingen
Classification: Uncertain significance. Last evaluated: 2018-09-01. Review status: criteria provided, single submitter. Criteria: CeGaT Center For Human Genetics Tuebingen Variant Classification Criteria Version 2. Collection method: clinical testing. Allele origin: germline. Affected: yes. Observed: 1 variant allele.